The following is an entry in ClinVar:

NM_001354768.3(NRL):c.578G>A (p.Arg193His)

Genes: NRL (neural retina leucine zipper; minus strand), LOC130055387 (ATAC-STARR-seq lymphoblastoid silent region 5620; plus strand). Cytogenetic location: 14q11.2.
Variant type: single nucleotide variant.
Coding change: c.578G>A on transcript NM_001354768.3 (MANE Select); coding-DNA position 578, G replaced by A.
Protein change: p.Arg193His; replaces arginine 193 with histidine.
Molecular consequence: missense variant.
Genome position (GRCh38, 1-based): chr14:24,081,372, C>T on the plus strand (G>A on the coding strand, the complement: NRL is on the minus strand). VCF-style: chr14-24081372-C-T. GRCh37 (hg19) VCF-style: chr14-24550581-C-T.
Other names: c.578G>A, p.Arg193His (NM_001354769.1, NM_006177.5); c.263G>A, p.Arg88His (NM_001354770.2); short protein forms R193H, R88H.
Identifiers: ClinVar variation 861204 (VCV000861204.12), dbSNP rs2036283625, ClinGen allele CA389277305.
Genomic context (GRCh38, chr14:24,081,372, plus strand): 5'-TCGCGCTCCCGGGCCAGGCGGGCCACCTCGGCCCGCAGCGCGTCCAGCTGGGCGGCCAGG[C>T]GGGCGCGCTCGGCCTCCAGCCCGCGCCGCTGCTGCAGCCGCTTGGAGCGACAGGCCTGCG-3'
Protein context (NP_001341697.1, residues 183-203): QRRGLEAERA[Arg193His]LAAQLDALRA

ClinVar aggregate classification (germline): Uncertain significance. Review status: criteria provided, multiple submitters, no conflicts (2 of 4 stars). 2 submissions from 2 submitters: Uncertain significance (2). Last evaluated 2025-11-11.

gnomAD v4.1: 13 of 1,429,404 alleles (0.00091%); highest among the groups gnomAD compares: Admixed American, 0.003%; no homozygotes.

Submissions (2):

GeneDx
Classification: Uncertain significance. Last evaluated: 2025-11-11. Review status: criteria provided, single submitter. Criteria: GeneDx Variant Classification Process June 2021. Collection method: clinical testing. Allele origin: germline.
Comment: Not observed at significant frequency in large population cohorts (gnomAD); In silico analysis suggests that this missense variant does not alter protein structure/function; Has not been previously published as pathogenic or benign to our knowledge

Labcorp Genetics (formerly Invitae), Labcorp
Classification: Uncertain significance. Last evaluated: 2022-08-16. Review status: criteria provided, single submitter. Criteria: Invitae Variant Classification Sherloc (09022015). Collection method: clinical testing. Allele origin: germline.
Comment: In summary, the available evidence is currently insufficient to determine the role of this variant in disease. Therefore, it has been classified as a Variant of Uncertain Significance. Algorithms developed to predict the effect of missense changes on protein structure and function (SIFT, PolyPhen-2, Align-GVGD) all suggest that this variant is likely to be tolerated. ClinVar contains an entry for this variant (Variation ID: 861204). This variant has not been reported in the literature in individuals affected with NRL-related conditions. This variant is not present in population databases (gnomAD no frequency). This sequence change replaces arginine, which is basic and polar, with histidine, which is basic and polar, at codon 193 of the NRL protein (p.Arg193His).